The following is an entry in ClinVar:

ClinVar aggregate classification (germline): Pathogenic/Likely pathogenic. Review status: criteria provided, multiple submitters, no conflicts (2 of 4 stars). 3 submissions from 3 submitters: Pathogenic (1); Likely pathogenic (2). Last evaluated 2025-09-02.

Conditions:
MLYCD-related disorder. Also called: MLYCD-related condition.
Deficiency of malonyl-CoA decarboxylase. Also called: Malonic aciduria; MCD deficiency. Identifiers: Orphanet 943, MedGen C0342793, MONDO:0009556, OMIM 248360.

Allele frequency attached by ClinVar (database versions not stated): TOPMed below 0.00001.

Submissions (3):

Labcorp Genetics (formerly Invitae), Labcorp
Classification: Pathogenic for Deficiency of malonyl-CoA decarboxylase. Last evaluated: 2025-09-02. Review status: criteria provided, single submitter. Criteria: Invitae Variant Classification Sherloc (09022015). Collection method: clinical testing. Allele origin: germline.
Comment: This sequence change affects the initiator codon of the MLYCD mRNA. This change may impact translation initiation or efficiency. The next in-frame methionine is located at codon 40. This variant is not present in population databases (gnomAD no frequency). Disruption of the initiator codon has been observed in individual(s) with biochemical features of MLYCD-related disorders (PMID: 32602666; internal data). In at least one individual the data is consistent with being in trans (on the opposite chromosome) from a pathogenic variant. ClinVar contains an entry for this variant (Variation ID: 847051). Studies have shown that disruption of the initiator codon alters MLYCD gene expression (PMID: 12955715). This variant disrupts a region of the MLYCD protein in which other variant(s) (p.G3D) have been observed in individuals with MLYCD-related conditions (PMID: 12955715). This suggests that this is a clinically significant region of the protein, and that variants that disrupt it are likely to be disease-causing. For these reasons, this variant has been classified as Pathogenic.

PreventionGenetics, part of Exact Sciences
Classification: Likely pathogenic for MLYCD-related condition. Last evaluated: 2025-02-15. Review status: criteria provided, single submitter. Criteria: ACMG Guidelines, 2015. Collection method: clinical testing. Allele origin: germline.
Comment: The MLYCD c.1A>T variant is predicted to disrupt the translation initiation site (Start Loss). To our knowledge, this specific variant has not been reported in the literature. However, other variants that disrupt the start codon (p.Met1Val, p.Met1Lys) have been reported in patients with malonyl-CoA decarboxylase deficiency (Lee et al. 2020. PubMed ID: 32602666; Polinati et al. 2015. PubMed ID: 24613099). This variant has not been reported in a large population database (gnomAD), indicating this variant is rare. This variant is interpreted as likely pathogenic.

Fulgent Genetics
Classification: Likely pathogenic for Deficiency of malonyl-CoA decarboxylase. Last evaluated: 2021-12-23. Review status: criteria provided, single submitter. Criteria: ACMG Guidelines, 2015. Collection method: clinical testing. Allele origin: unknown.

Literature cited by the submitters: PubMed 32602666 (cited by Labcorp Genetics (formerly Invitae), Labcorp); PubMed 12955715 (cited by Labcorp Genetics (formerly Invitae), Labcorp).

NM_012213.3(MLYCD):c.1A>T (p.Met1Leu)

Genes: MLYCD (malonyl-CoA decarboxylase; plus strand), LOC130059554 (ATAC-STARR-seq lymphoblastoid silent region 7769; plus strand). Cytogenetic location: 16q23.3.
Variant type: single nucleotide variant.
Coding change: c.1A>T on transcript NM_012213.3 (MANE Select); coding-DNA position 1, A replaced by T.
Protein change: p.Met1Leu; changes the start codon (methionine 1).
Molecular consequence: missense variant, initiator codon variant.
Genome position (GRCh38, 1-based): chr16:83,899,145, A>T. VCF-style: chr16-83899145-A-T. GRCh37 (hg19) VCF-style: chr16-83932750-A-T.
Other names: short protein forms M1L.
Identifiers: ClinVar variation 847051 (VCV000847051.13), dbSNP rs1179555424, ClinGen allele CA396917448.
Genomic context (GRCh38, chr16:83,899,145, plus strand): 5'-GGAAGCCGGAAGCGCGGCAGCGGCGGCGGCGCTCCCCCTCGGCAGCTGTTGTGGGGCACC[A>T]TGCGAGGCTTCGGGCCAGGCTTGACGGCCAGGCGTCTCCTCCCGCTGCGGTTGCCCCCGC-3'
Protein context (NP_036345.2, residues 1-11): [Met1Leu]RGFGPGLTAR